The following is an entry in ClinVar:

NM_001170629.2(CHD8):c.1234G>A (p.Ala412Thr)

Gene: CHD8 (chromodomain helicase DNA binding protein 8; minus strand). Cytogenetic location: 14q11.2.
Variant type: single nucleotide variant.
Coding change: c.1234G>A on transcript NM_001170629.2 (MANE Select); coding-DNA position 1234, G replaced by A.
Protein change: p.Ala412Thr; replaces alanine 412 with threonine.
Molecular consequence: missense variant.
Genome position (GRCh38, 1-based): chr14:21,428,236, C>T on the plus strand (G>A on the coding strand, the complement: CHD8 is on the minus strand). VCF-style: chr14-21428236-C-T. GRCh37 (hg19) VCF-style: chr14-21896395-C-T.
Other names: c.397G>A, p.Ala133Thr (NM_020920.4); short protein forms A133T, A412T.
Identifiers: ClinVar variation 1756445 (VCV001756445.10), dbSNP rs376260777, ClinGen allele CA7091807.

ClinVar aggregate classification (germline): Conflicting classifications of pathogenicity. Review status: criteria provided, conflicting classifications (1 of 4 stars). 3 submissions from 3 submitters: Uncertain significance (1); Likely benign (2). Last evaluated 2025-06-13.

Conditions:
Inborn genetic diseases. Identifiers: MedGen C0950123, MeSH D030342.
CHD8-related disorder. Also called: CHD8-related condition; CHD8-related disorders.

Allele frequency attached by ClinVar (database versions not stated): ESP Exome Variant Server 0.00017.
gnomAD v4.1: 26 of 1,613,666 alleles (0.0016%); highest among the groups gnomAD compares: African/African-American, 0.013%; no homozygotes.

Submissions (3):

PreventionGenetics, part of Exact Sciences
Classification: Uncertain significance for CHD8-related condition. Last evaluated: 2025-06-13. Review status: criteria provided, single submitter. Criteria: ACMG Guidelines, 2015. Collection method: clinical testing. Allele origin: germline.
Comment: The CHD8 c.1234G>A variant is predicted to result in the amino acid substitution p.Ala412Thr. To our knowledge, this variant has not been reported in the literature. This variant is reported in 0.029% of alleles in individuals of African descent in gnomAD. Although we suspect that this variant may be benign, at this time, the clinical significance of this variant is uncertain due to the absence of conclusive functional and genetic evidence.

Labcorp Genetics (formerly Invitae), Labcorp
Classification: Likely benign. Last evaluated: 2024-04-18. Review status: criteria provided, single submitter. Criteria: Invitae Variant Classification Sherloc (09022015). Collection method: clinical testing. Allele origin: germline.

Ambry Genetics
Classification: Likely benign for Inborn genetic diseases. Last evaluated: 2019-06-20. Review status: criteria provided, single submitter. Criteria: Ambry Variant Classification Scheme 2023. Collection method: clinical testing. Allele origin: germline.